The following is an entry in ClinVar:

NM_003612.5(SEMA7A):c.267G>A (p.Val89=)

Gene: SEMA7A (semaphorin 7A (JohnMiltonHagen blood group); minus strand). Cytogenetic location: 15q24.1.
Variant type: single nucleotide variant.
Coding change: c.267G>A on transcript NM_003612.5 (MANE Select); coding-DNA position 267, G replaced by A.
Protein change: p.Val89=; no amino-acid change (valine 89 retained).
Molecular consequence: synonymous variant. On other transcripts: 5 prime UTR variant (1).
Genome position (GRCh38, 1-based): chr15:74,418,864, C>T on the plus strand (G>A on the coding strand, the complement: SEMA7A is on the minus strand). VCF-style: chr15-74418864-C-T. GRCh37 (hg19) VCF-style: chr15-74711205-C-T.
Other names: c.267G>A, p.Val89= (NM_001146029.3); c.-229G>A (NM_001146030.3).
Identifiers: ClinVar variation 4983828 (VCV004983828.1).

ClinVar aggregate classification (germline): Likely benign (1 of 4 stars; one submission).

Conditions:
SEMA7A-related disorder. Also called: SEMA7A-related condition.

gnomAD v4.1: 238 of 1,613,954 alleles (0.015%); highest among the groups gnomAD compares: African/African-American, 0.25%; 1 homozygote.

Submission:

PreventionGenetics, part of Exact Sciences
Classification: Likely benign for SEMA7A-related condition. Last evaluated: 2026-01-07. Review status: criteria provided, single submitter. Criteria: ACMG Guidelines, 2015. Collection method: clinical testing. Allele origin: germline.
Comment: This variant is classified as likely benign based on ACMG/AMP sequence variant interpretation guidelines (Richards et al. 2015 PMID: 25741868, with internal and published modifications).